The following is an entry in ClinVar:

NM_022124.6(CDH23):c.4407C>T (p.Ile1469=)

Gene: CDH23 (cadherin related 23; plus strand). Cytogenetic location: 10q22.1.
Variant type: single nucleotide variant.
Coding change: c.4407C>T on transcript NM_022124.6 (MANE Select); coding-DNA position 4407, C replaced by T.
Protein change: p.Ile1469=; no amino-acid change (isoleucine 1469 retained).
Molecular consequence: synonymous variant.
Genome position (GRCh38, 1-based): chr10:71,739,691, C>T. VCF-style: chr10-71739691-C-T. GRCh37 (hg19) VCF-style: chr10-73499448-C-T.
Other names: c.4407C>T (NM_022124.5).
Identifiers: ClinVar variation 1652569 (VCV001652569.9), dbSNP rs772041520, ClinGen allele CA5545039.
Genomic context (GRCh38, chr10:71,739,691, plus strand): 5'-CTTCTCCCCACAGGTGGTCTTCTCCCTGGCCTCTGGCAACATCGCGGGGGCCTTTGAGAT[C>T]GTCACCACCAATGACTCCATTGGCGAAGTGTTTGTGGCCAGGCCCCTGGACAGAGAAGAG-3'
Protein context (NP_071407.4, residues 1459-1479): ASGNIAGAFE[Ile1469=]VTTNDSIGEV

ClinVar aggregate classification (germline): Likely benign. Review status: criteria provided, multiple submitters, no conflicts (2 of 4 stars). 2 submissions from 2 submitters: Likely benign (2). Last evaluated 2024-10-30.

Conditions:
CDH23-related disorder. Also called: CDH23-related disorders; CDH23-related condition.

Allele frequency attached by ClinVar (database versions not stated): gnomAD 0.00001; TOPMed 0.00001; gnomAD exomes 0.00002; ExAC 0.00004.
gnomAD v4.1: 23 of 1,613,226 alleles (0.0014%); highest among the groups gnomAD compares: Admixed American, 0.0067%; no homozygotes.

Submissions (2):

PreventionGenetics, part of Exact Sciences
Classification: Likely benign for CDH23-related condition. Last evaluated: 2024-10-30. Review status: criteria provided, single submitter. Criteria: ACMG Guidelines, 2015. Collection method: clinical testing. Allele origin: germline.
Comment: This variant is classified as likely benign based on ACMG/AMP sequence variant interpretation guidelines (Richards et al. 2015 PMID: 25741868, with internal and published modifications).

Labcorp Genetics (formerly Invitae), Labcorp
Classification: Likely benign. Last evaluated: 2024-02-01. Review status: criteria provided, single submitter. Criteria: Invitae Variant Classification Sherloc (09022015). Collection method: clinical testing. Allele origin: germline.